The following is an entry in ClinVar:

NM_030962.4(SBF2):c.3935G>A (p.Arg1312Gln)

Gene: SBF2 (SET binding factor 2; minus strand). Cytogenetic location: 11p15.4.
Variant type: single nucleotide variant.
Coding change: c.3935G>A on transcript NM_030962.4 (MANE Select); coding-DNA position 3935, G replaced by A.
Protein change: p.Arg1312Gln; replaces arginine 1312 with glutamine.
Molecular consequence: missense variant.
Genome position (GRCh38, 1-based): chr11:9,816,883, C>T on the plus strand (G>A on the coding strand, the complement: SBF2 is on the minus strand). VCF-style: chr11-9816883-C-T. GRCh37 (hg19) VCF-style: chr11-9838430-C-T.
Other names: c.4031G>A, p.Arg1344Gln (NM_001386339.1); c.3806G>A, p.Arg1269Gln (NM_001386342.1); short protein forms R1312Q, R1269Q, R1344Q.
Identifiers: ClinVar variation 587625 (VCV000587625.15), dbSNP rs768571931, ClinGen allele CA5881104.

ClinVar aggregate classification (germline): Uncertain significance. Review status: criteria provided, multiple submitters, no conflicts (2 of 4 stars). 4 submissions from 4 submitters: Uncertain significance (4). Last evaluated 2025-06-03.

Conditions:
Inborn genetic diseases. Identifiers: MedGen C0950123, MeSH D030342.
Charcot-Marie-Tooth disease type 4. Also called: Charcot-Marie-Tooth, Type 4; Charcot-Marie-Tooth disease, type IV. Identifiers: Orphanet 64749, MedGen C4082197, MONDO:0018995.
Charcot-Marie-Tooth disease type 4B2. Also called: Charcot-Marie-Tooth Neuropathy Type 4B2; CHARCOT-MARIE-TOOTH DISEASE, DEMYELINATING, TYPE 4B2; CHARCOT-MARIE-TOOTH DISEASE, WITH FOCALLY FOLDED MYELIN SHEATHS, AUTOSOMAL RECESSIVE, TYPE 4B2; CMT 4B2. Identifiers: Orphanet 99956, MedGen C1858278, MONDO:0011475, OMIM 604563.

Allele frequency attached by ClinVar (database versions not stated): ExAC 0.00002; gnomAD 0.00002; gnomAD exomes 0.00002; TOPMed 0.00002.
gnomAD v4.1: 30 of 1,614,010 alleles (0.0019%); highest among the groups gnomAD compares: Middle Eastern, 0.033%; no homozygotes.

Submissions (4):

Ambry Genetics
Classification: Uncertain significance for Inborn genetic diseases. Last evaluated: 2025-06-03. Review status: criteria provided, single submitter. Criteria: Ambry Variant Classification Scheme 2023. Collection method: clinical testing. Allele origin: germline.

Labcorp Genetics (formerly Invitae), Labcorp
Classification: Uncertain significance for Charcot-Marie-Tooth disease type 4. Last evaluated: 2021-10-31. Review status: criteria provided, single submitter. Criteria: Invitae Variant Classification Sherloc (09022015). Collection method: clinical testing. Allele origin: germline.
Comment: This sequence change replaces arginine, which is basic and polar, with glutamine, which is neutral and polar, at codon 1312 of the SBF2 protein (p.Arg1312Gln). This variant is present in population databases (rs768571931, gnomAD 0.003%). This variant has not been reported in the literature in individuals affected with SBF2-related conditions. ClinVar contains an entry for this variant (Variation ID: 587625). Algorithms developed to predict the effect of missense changes on protein structure and function (SIFT, PolyPhen-2, Align-GVGD) all suggest that this variant is likely to be tolerated. Algorithms developed to predict the effect of sequence changes on RNA splicing suggest that this variant may create or strengthen a splice site. In summary, the available evidence is currently insufficient to determine the role of this variant in disease. Therefore, it has been classified as a Variant of Uncertain Significance.

Genomic Research Center, Shahid Beheshti University of Medical Sciences
Classification: Uncertain significance for Charcot-Marie-Tooth disease, type 4B2. Last evaluated: 2018-08-07. Review status: criteria provided, single submitter. Criteria: ACMG Guidelines, 2015. Collection method: clinical testing. Allele origin: inherited. Affected: no. Observed: 1 variant allele.

Illumina Laboratory Services, Illumina
Classification: Uncertain significance for Charcot-Marie-Tooth disease type 4B2. Last evaluated: 2018-01-12. Review status: criteria provided, single submitter. Criteria: ICSL Variant Classification Criteria 13 December 2019. Collection method: clinical testing. Allele origin: germline.